The following is an entry in ClinVar:

ClinVar aggregate classification (germline): Uncertain significance (1 of 4 stars; one submission).

Conditions:
Cardiovascular phenotype. Identifiers: MedGen CN230736.

Submission:

Ambry Genetics
Classification: Uncertain significance for Cardiovascular phenotype. Last evaluated: 2025-02-22. Review status: criteria provided, single submitter. Criteria: Ambry Variant Classification Scheme 2023. Collection method: clinical testing. Allele origin: germline.
Comment: The p.N346S variant (also known as c.1037A>G), located in coding exon 7 of the CBL gene, results from an A to G substitution at nucleotide position 1037. The asparagine at codon 346 is replaced by serine, an amino acid with highly similar properties. This amino acid position is conserved. In addition, the in silico prediction for this alteration is inconclusive. Based on the available evidence, the clinical significance of this variant remains unclear.

NM_005188.4(CBL):c.1037A>G (p.Asn346Ser)

Gene: CBL (Cbl proto-oncogene; plus strand). Cytogenetic location: 11q23.3.
Variant type: single nucleotide variant.
Coding change: c.1037A>G on transcript NM_005188.4 (MANE Select); coding-DNA position 1037, A replaced by G.
Protein change: p.Asn346Ser; replaces asparagine 346 with serine.
Molecular consequence: missense variant.
Genome position (GRCh38, 1-based): chr11:119,277,786, A>G. VCF-style: chr11-119277786-A-G. GRCh37 (hg19) VCF-style: chr11-119148496-A-G.
Other names: short protein forms N346S.
Identifiers: ClinVar variation 3827856 (VCV003827856.1).
Genomic context (GRCh38, chr11:119,277,786, plus strand): 5'-AATAAAACCCAGGGTTGGTTACTCTTTACAGCTATTTGTTTCCTGATGGACGAAATCAGA[A>G]TCCTGATCTGACTGGCTTATGTGAACCAACTCCCCAAGACCATATCAAAGTGACCCAGGT-3'
Protein context (NP_005179.2, residues 336-356): FYLFPDGRNQ[Asn346Ser]PDLTGLCEPT